The following is an entry in ClinVar:

ClinVar aggregate classification (germline): Likely benign (1 of 4 stars; one submission).

Submission:

CeGaT Center for Human Genetics Tuebingen
Classification: Likely benign. Last evaluated: 2024-10-01. Review status: criteria provided, single submitter. Criteria: CeGaT Center For Human Genetics Tuebingen Variant Classification Criteria Version 2. Collection method: clinical testing. Allele origin: germline. Affected: yes. Observed: 1 variant allele.
Comment: MUC5B: BP4, BS1

NM_002458.3(MUC5B):c.12061C>A (p.Pro4021Thr)

Genes: MUC5B (mucin 5B, oligomeric mucus/gel-forming; plus strand), MUC5B-AS1 (MUC5B antisense RNA 1; minus strand). Cytogenetic location: 11p15.5.
Variant type: single nucleotide variant.
Coding change: c.12061C>A on transcript NM_002458.3 (MANE Select); coding-DNA position 12061, C replaced by A.
Protein change: p.Pro4021Thr; replaces proline 4021 with threonine.
Molecular consequence: missense variant.
Genome position (GRCh38, 1-based): chr11:1,248,941, C>A. VCF-style: chr11-1248941-C-A. GRCh37 (hg19) VCF-style: chr11-1270171-C-A.
Other names: short protein forms P4021T.
Identifiers: ClinVar variation 3388043 (VCV003388043.14).